The following is an entry in ClinVar:

NM_000143.4(FH):c.582A>G (p.Ala194=)

Gene: FH (fumarate hydratase; minus strand). Cytogenetic location: 1q43.
Variant type: single nucleotide variant.
Coding change: c.582A>G on transcript NM_000143.4 (MANE Select); coding-DNA position 582, A replaced by G.
Protein change: p.Ala194=; no amino-acid change (alanine 194 retained).
Molecular consequence: synonymous variant.
Genome position (GRCh38, 1-based): chr1:241,508,759, T>C on the plus strand (A>G on the coding strand, the complement: FH is on the minus strand). VCF-style: chr1-241508759-T-C. GRCh37 (hg19) VCF-style: chr1-241672059-T-C.
Identifiers: ClinVar variation 3773054 (VCV003773054.1).

ClinVar aggregate classification (germline): Benign (1 of 4 stars; one submission).

Conditions:
Hereditary leiomyomatosis and renal cell cancer. Also called: MULTIPLE CUTANEOUS AND UTERINE LEIOMYOMATA 1, WITH OR WITHOUT RENAL CELL CARCINOMA; LEIOMYOMA, MULTIPLE CUTANEOUS; FH tumor predisposition syndrome; Reed syndrome; Multiple cutaneous and uterine leiomyomatosis; Cutaneous leiomyomata with uterine leiomyomata. Identifiers: Orphanet 523, MedGen C1708350, MONDO:0007888, OMIM 150800, HP:0007437. Disease mechanism: loss of function.

Submission:

Myriad Genetics, Inc.
Classification: Benign for Hereditary leiomyomatosis and renal cell cancer. Last evaluated: 2024-10-18. Review status: criteria provided, single submitter. Criteria: Myriad Autosomal Dominant, Autosomal Recessive and X-Linked Classification Criteria (2023). Collection method: clinical testing. Allele origin: unknown.
Comment: This variant is considered benign. This variant is a silent/synonymous amino acid change and it is not expected to impact splicing.